The following is an entry in ClinVar:

NM_000350.3(ABCA4):c.6146del (p.Lys2049fs)

Gene: ABCA4 (ATP binding cassette subfamily A member 4; minus strand). Cytogenetic location: 1p22.1.
Variant type: Deletion.
Coding change: c.6146del on transcript NM_000350.3 (MANE Select); coding-DNA position 6146, one base deleted (A; older notation c.6146delA).
Protein change: p.Lys2049fs; shifts the reading frame from lysine 2049.
Molecular consequence: frameshift variant.
Genome position (GRCh38, 1-based): chr1:94,005,442, T deleted on the plus strand (A on the coding strand, the reverse complement: ABCA4 is on the minus strand); the first of 4 consecutive T bases (chr1:94,005,442-94,005,445); deleting any one gives the same sequence. VCF-style (leftmost placement, unchanged base first): chr1-94005441-CT-C. GRCh37 (hg19) VCF-style: chr1-94470997-CT-C.
Other names: c.6146delA (NM_000350.3); c.5921delA, p.Lys1975Argfs (NM_001425324.1); short protein forms K2049fs.
Identifiers: ClinVar variation 917611 (VCV000917611.7), dbSNP rs1659351261, ClinGen allele CA1139656186.

ClinVar aggregate classification (germline): Pathogenic. Review status: criteria provided, multiple submitters, no conflicts (2 of 4 stars). 5 submissions from 5 submitters: Pathogenic (5). Last evaluated 2024-05-13.

Conditions:
ABCA4-related disorder. Also called: ABCA4-related condition; ABCA4-related disorders. Identifiers: MedGen CN239167.
Retinitis pigmentosa 19 (RP19). Also called: ABCA4-Related Retinitis Pigmentosa. Identifiers: Orphanet 791, MedGen C1866422, MONDO:0011137, OMIM 601718.
Stargardt disease (FFM). Also called: Stargardt's disease; Fundus flavimaculatus. Identifiers: Orphanet 827, MedGen C0271093, MONDO:0019353.
Severe early-childhood-onset retinal dystrophy (STGD1). Also called: Stargardt macular dystrophy; Juvenile onset macular degeneration; Stargardt disease 1; MACULAR DYSTROPHY WITH FLECKS, TYPE 1; STGD. Identifiers: Orphanet 364055, Orphanet 827, MedGen C1855465, MeSH D000080362, MONDO:0009549, OMIM 248200.

Submissions (5):

Labcorp Genetics (formerly Invitae), Labcorp
Classification: Pathogenic. Last evaluated: 2024-05-13. Review status: criteria provided, single submitter. Criteria: Invitae Variant Classification Sherloc (09022015). Collection method: clinical testing. Allele origin: germline.
Comment: This sequence change creates a premature translational stop signal (p.Lys2049Argfs*12) in the ABCA4 gene. It is expected to result in an absent or disrupted protein product. Loss-of-function variants in ABCA4 are known to be pathogenic (PMID: 10958761, 24938718, 25312043, 26780318). This variant is not present in population databases (gnomAD no frequency). This premature translational stop signal has been observed in individual(s) with Stargardt disease (PMID: 29975949, 31814693). ClinVar contains an entry for this variant (Variation ID: 917611). For these reasons, this variant has been classified as Pathogenic.

3billion
Classification: Pathogenic for Retinitis pigmentosa 19. Last evaluated: 2024-01-03. Review status: criteria provided, single submitter. Criteria: ACMG Guidelines, 2015. Collection method: clinical testing. Allele origin: germline. Affected: yes.
Comment: The variant is not observed in the gnomAD v2.1.1 dataset. Predicted Consequence/Location: Frameshift: predicted to result in a loss or disruption of normal protein function through nonsense-mediated decay (NMD) or protein truncation. Multiple pathogenic variants are reported downstream of the variant. The variant has been reported at least twice as pathogenic without evidence for the classification (ClinVar ID: VCV000917611 /PMID: 29975949). Therefore, this variant is classified as Pathogenic according to the recommendation of ACMG/AMP guideline.

Blueprint Genetics
Classification: Pathogenic for ABCA4-related disorders. Last evaluated: 2022-07-01. Review status: criteria provided, single submitter. Criteria: ACMG Guidelines, 2015. Collection method: clinical testing. Allele origin: germline. Affected: yes. Observed: 2 variant alleles.

Johns Hopkins Genomics, Johns Hopkins University
Classification: Pathogenic for Severe early-childhood-onset retinal dystrophy. Last evaluated: 2020-01-18. Review status: criteria provided, single submitter. Criteria: ACMG Guidelines, 2015. Collection method: clinical testing. Allele origin: germline.

Women's Health and Genetics/Laboratory Corporation of America, LabCorp
Classification: Pathogenic for Stargardt disease. Last evaluated: 2020-01-08. Review status: criteria provided, single submitter. Criteria: LabCorp Variant Classification Summary - May 2015. Collection method: clinical testing. Allele origin: germline.
Comment: Variant summary: ABCA4 c.6146delA (p.Lys2049ArgfsX12) results in a premature termination codon, predicted to cause a truncation of the encoded protein or absence of the protein due to nonsense mediated decay, which are commonly known mechanisms for disease. The variant was absent in 251348 control chromosomes (gnomAD). c.6146delA has been reported in the literature in individuals (particularly Korean) affected with Stargardt disease (e.g. Sung_2018, Joo_2019). These data indicate that the variant is likely to be associated with disease. To our knowledge, no experimental evidence demonstrating an impact on protein function has been reported. No clinical diagnostic laboratories have submitted clinical-significance assessments for this variant to ClinVar after 2014. Based on the evidence outlined above, the variant was classified as pathogenic.

Literature cited by the submitters: PubMed 10958761 (cited by Labcorp Genetics (formerly Invitae), Labcorp); PubMed 24938718 (cited by Labcorp Genetics (formerly Invitae), Labcorp); PubMed 25312043 (cited by Labcorp Genetics (formerly Invitae), Labcorp); PubMed 26780318 (cited by Labcorp Genetics (formerly Invitae), Labcorp); PubMed 29975949 (cited by 4 submitters); PubMed 31814693 (cited by 3 submitters); PubMed 31144483 (cited by Johns Hopkins Genomics, Johns Hopkins University).